The following is an entry in ClinVar:

ClinVar aggregate classification (germline): Uncertain risk allele. Review status: no assertion criteria provided (0 of 4 stars). 2 submissions from 2 submitters: Uncertain risk allele (1). 1 of the submissions does not count toward it. Last evaluated 2022-06-10.

Conditions:
Leprosy, susceptibility to, 1. Also called: Leprosy 1; LEPROSY, PAUCIBACILLARY TYPE, SUSCEPTIBILITY TO, 1; LPRS1. Identifiers: Orphanet 548, MedGen C1835932, MONDO:0012358, OMIM 609888.
Hepatitis C virus, susceptibility to. Also called: HCV, SUSCEPTIBILITY TO. Identifiers: MedGen C1835407, MONDO:0012292, OMIM 609532.

Allele frequency attached by ClinVar (database versions not stated): 1000 Genomes Project 30x 0.28154; 1000 Genomes Project 0.27216; TOPMed 0.38697; gnomAD 0.40072.
gnomAD v4.1: 60,505 of 151,018 alleles (40%); highest among the groups gnomAD compares: Non-Finnish European, 49%; 12,917 homozygotes.

Submissions (2):

Centro Dermatológico Federico Lleras Acosta, Hospital Universitario Centro Dermatológico Federico Lleras Acosta
Classification: Uncertain risk allele for Leprosy, susceptibility to, 1. Last evaluated: 2022-06-10. Review status: no assertion criteria provided. Collection method: case-control. Allele origin: inherited. Affected: yes.

Molecular Biology, National Hepatology and Tropical Medicine Research Institute
Classification: Pathogenic for Hepatitis C virus, susceptibility to. Last evaluated: 2025-09-17. Review status: flagged submission. Criteria: ACMG Guidelines, 2015. Collection method: case-control. Allele origin: germline. Affected: yes. Observed: 21 variant alleles. Not counted in ClinVar's aggregate classification.
ClinVar note: Notes: This variant is present in over 40% of the population and the phenotype is not a monogenic disease. The terms P/LP are not appropriate.
ClinVar note: Reason: P/LP classification for a variant in a gene with insufficient evidence for a gene-disease relationship

Literature cited by the submitters: DOI 10.31557/APJCP.2023.24.11.3925 (cited by Molecular Biology, National Hepatology and Tropical Medicine Research Institute).

NC_000001.11:g.206773552T>C

Genes: IL10 (interleukin 10; minus strand), IL19 (interleukin 19; plus strand). Cytogenetic location: 1q32.1.
Variant type: single nucleotide variant.
Molecular consequence: intron variant (on NM_153758.5).
Genome position: GRCh38 VCF-style: chr1-206773552-T-C. GRCh37 (hg19) VCF-style: chr1-206946897-T-C.
Other names: c.-149+2474T>C (NM_153758.5); c.-149+2722T>C (NM_001393490.1).
Identifiers: ClinVar variation 1710531 (VCV001710531.2), dbSNP rs1800896, ClinGen allele CA15115040.